The following is an entry in ClinVar:

NM_058174.3(COL6A2):c.2559G>C (p.Gln853His)

Gene: COL6A2 (collagen type VI alpha 2 chain; plus strand). Cytogenetic location: 21q22.3.
Variant type: single nucleotide variant.
Coding change: c.2559G>C on transcript NM_058174.3 (MANE Plus Clinical); coding-DNA position 2559, G replaced by C.
Protein change: p.Gln853His; replaces glutamine 853 with histidine.
Molecular consequence: missense variant. On other transcripts: 3 prime UTR variant (1), intron variant (1).
Genome position (GRCh38, 1-based): chr21:46,129,293, G>C. VCF-style: chr21-46129293-G-C. GRCh37 (hg19) VCF-style: chr21-47549207-G-C.
Other names: c.*365G>C (NM_058175.3); c.2462-2661G>C (NM_001849.4); short protein forms Q853H.
Identifiers: ClinVar variation 4989544 (VCV004989544.1).

ClinVar aggregate classification (germline): Uncertain significance (1 of 4 stars; one submission).

Conditions:
COL6A2-related disorder.

gnomAD v4.1: 6 of 1,612,930 alleles (0.00037%); highest among the groups gnomAD compares: Admixed American, 0.01%; 2 homozygotes.

Submission:

PreventionGenetics, part of Exact Sciences
Classification: Uncertain significance for COL6A2-related condition. Last evaluated: 2024-10-23. Review status: criteria provided, single submitter. Criteria: ACMG Guidelines, 2015. Collection method: clinical testing. Allele origin: germline.
Comment: The COL6A2 c.2559G>C variant is predicted to result in the amino acid substitution p.Gln853His. Of note, this variant can also be referred to as c.2462-2661G>C with the alternative isoform NM_001849. Other variants in this exon of the NM_058174 isoform have been reported (Zanotti. 2023. PubMed ID: 36982625; Zanoteli. 2020. PubMed ID: 32065942). To our knowledge, this variant has not been reported in the literature. This variant is reported in 0.0087% of alleles in individuals of Latino descent in gnomAD, including one homozygote. At this time, the clinical significance of this variant is uncertain due to the absence of conclusive functional and genetic evidence.